The following is an entry in ClinVar:

NM_032119.4(ADGRV1):c.10720C>T (p.His3574Tyr)

Gene: ADGRV1 (adhesion G protein-coupled receptor V1; plus strand). Cytogenetic location: 5q14.3.
Variant type: single nucleotide variant.
Coding change: c.10720C>T on transcript NM_032119.4 (MANE Select); coding-DNA position 10720, C replaced by T.
Protein change: p.His3574Tyr; replaces histidine 3574 with tyrosine.
Molecular consequence: missense variant. On other transcripts: non-coding transcript variant (1).
Genome position (GRCh38, 1-based): chr5:90,745,216, C>T. VCF-style: chr5-90745216-C-T. GRCh37 (hg19) VCF-style: chr5-90041033-C-T.
Other names: short protein forms H3574Y.
Identifiers: ClinVar variation 1878738 (VCV001878738.1), dbSNP rs2531539845, ClinGen allele CA360408450.

ClinVar aggregate classification (germline): Uncertain significance (1 of 4 stars; one submission).

Submission:

GeneDx
Classification: Uncertain significance. Last evaluated: 2022-07-12. Review status: criteria provided, single submitter. Criteria: GeneDx Variant Classification Process June 2021. Collection method: clinical testing. Allele origin: germline. Affected: yes.
Comment: Not observed at significant frequency in large population cohorts (gnomAD); In silico analysis supports that this missense variant does not alter protein structure/function; Has not been previously published as pathogenic or benign to our knowledge